The following is an entry in ClinVar:

NM_007194.4(CHEK2):c.465T>A (p.Ser155=)

Gene: CHEK2 (checkpoint kinase 2; minus strand). Cytogenetic location: 22q12.1.
Variant type: single nucleotide variant.
Coding change: c.465T>A on transcript NM_007194.4 (MANE Select); coding-DNA position 465, T replaced by A.
Protein change: p.Ser155=; no amino-acid change (serine 155 retained).
Molecular consequence: synonymous variant. On other transcripts: 5 prime UTR variant (2), intron variant (1).
Genome position (GRCh38, 1-based): chr22:28,725,104, A>T on the plus strand (T>A on the coding strand, the complement: CHEK2 is on the minus strand). VCF-style: chr22-28725104-A-T. GRCh37 (hg19) VCF-style: chr22-29121092-A-T.
Other names: c.594T>A, p.Ser198= (NM_001005735.3, NM_001438294.1); c.-313T>A (NM_001257387.3); c.-199T>A (NM_001437942.1); c.558T>A, p.Ser186= (NM_001438293.1, NM_001438295.1); c.465T>A, p.Ser155= (NM_145862.3); c.444+139T>A (NM_001349956.3).
Identifiers: ClinVar variation 3772885 (VCV003772885.1).

ClinVar aggregate classification (germline): Benign (1 of 4 stars; one submission).

Conditions:
Familial cancer of breast. Also called: Hereditary breast cancer; BREAST CANCER, FAMILIAL; hereditary breast carcinoma. Identifiers: Orphanet 227535, MedGen C0346153, MONDO:0016419, OMIM 114480. Disease mechanism: loss of function.

Submission:

Myriad Genetics, Inc.
Classification: Benign for Familial cancer of breast. Last evaluated: 2024-10-02. Review status: criteria provided, single submitter. Criteria: Myriad Autosomal Dominant, Autosomal Recessive and X-Linked Classification Criteria (2023). Collection method: clinical testing. Allele origin: unknown.
Comment: This variant is considered benign. This variant is a silent/synonymous amino acid change and it is not expected to impact splicing.